The following is an entry in ClinVar:

ClinVar aggregate classification (germline): Uncertain significance (1 of 4 stars; one submission).

Conditions:
MAGEL2-related disorder. Also called: MAGEL2-related condition.

Submission:

PreventionGenetics, part of Exact Sciences
Classification: Uncertain significance for MAGEL2-related condition. Last evaluated: 2025-03-06. Review status: criteria provided, single submitter. Criteria: ACMG Guidelines, 2015. Collection method: clinical testing. Allele origin: germline.
Comment: The MAGEL2 c.772C>T variant is predicted to result in the amino acid substitution p.Pro258Ser. To our knowledge, this variant has not been reported in the literature or in a large population database (gnomAD), indicating this variant is rare. At this time, the clinical significance of this variant is uncertain due to the absence of conclusive functional and genetic evidence.

NM_019066.5(MAGEL2):c.772C>T (p.Pro258Ser)

Gene: MAGEL2 (MAGE family member L2; minus strand). Cytogenetic location: 15q11.2.
Variant type: single nucleotide variant.
Coding change: c.772C>T on transcript NM_019066.5 (MANE Select); coding-DNA position 772, C replaced by T.
Protein change: p.Pro258Ser; replaces proline 258 with serine.
Molecular consequence: missense variant.
Genome position (GRCh38, 1-based): chr15:23,646,971, G>A on the plus strand (C>T on the coding strand, the complement: MAGEL2 is on the minus strand). VCF-style: chr15-23646971-G-A. GRCh37 (hg19) VCF-style: chr15-23892118-G-A.
Other names: short protein forms P258S.
Identifiers: ClinVar variation 4998692 (VCV004998692.1).